The following is an entry in ClinVar:

ClinVar aggregate classification (germline): Uncertain significance. Review status: criteria provided, multiple submitters, no conflicts (2 of 4 stars). 2 submissions from 2 submitters: Uncertain significance (2). Last evaluated 2026-07-13.

Conditions:
Bardet-Biedl syndrome 7 (BBS7). Identifiers: Orphanet 110, MedGen C1859565, MONDO:0014435, OMIM 615984.
BBS7-related disorder. Also called: BBS7-related condition.

gnomAD v4.1: 1 of 1,612,486 alleles (0.000062%); highest among the groups gnomAD compares: South Asian, 0.0011%; no homozygotes.

Submissions (2):

PreventionGenetics, part of Exact Sciences
Classification: Uncertain significance for BBS7-related condition. Last evaluated: 2026-07-13. Review status: criteria provided, single submitter. Criteria: ACMG Guidelines, 2015. Collection method: clinical testing. Allele origin: germline.
Comment: The BBS7 c.650C>A variant is predicted to result in the amino acid substitution p.Ala217Glu. To our knowledge, this variant has not been reported in the literature. This variant is reported in 0.0033% of alleles in individuals of South Asian descent in gnomAD. At this time, the clinical significance of this variant is uncertain due to the absence of conclusive functional and genetic evidence.

Fulgent Genetics
Classification: Uncertain significance for Bardet-Biedl syndrome 7. Last evaluated: 2024-03-13. Review status: criteria provided, single submitter. Criteria: ACMG Guidelines, 2015. Collection method: clinical testing. Allele origin: germline.

NM_176824.3(BBS7):c.650C>A (p.Ala217Glu)

Gene: BBS7 (Bardet-Biedl syndrome 7; minus strand). Cytogenetic location: 4q27.
Variant type: single nucleotide variant.
Coding change: c.650C>A on transcript NM_176824.3 (MANE Select); coding-DNA position 650, C replaced by A.
Protein change: p.Ala217Glu; replaces alanine 217 with glutamic acid.
Molecular consequence: missense variant.
Genome position (GRCh38, 1-based): chr4:121,854,772, G>T on the plus strand (C>A on the coding strand, the complement: BBS7 is on the minus strand). VCF-style: chr4-121854772-G-T. GRCh37 (hg19) VCF-style: chr4-122775927-G-T.
Other names: c.650C>A (NM_176824.2); c.650C>A, p.Ala217Glu (NM_018190.4); short protein forms A217E.
Identifiers: ClinVar variation 3589803 (VCV003589803.2).
Genomic context (GRCh38, chr4:121,854,772, plus strand): 5'-TTTTTCTCATTTTGAATTTCCCACTTGCGTACTGGTTTGGATGTAGTAATCTGTATAAGC[G>T]CAAGTTTTCCGTCTGATGTCCCAAACAAAAGGTCTTCTCCAGAGTCACCTACTTATAATT-3'
Protein context (NP_789794.1, residues 207-227): LLFGTSDGKL[Ala217Glu]LIQITTSKPV